The following is an entry in ClinVar:

NM_194277.3(FRMD7):c.862C>A (p.Pro288Thr)

Gene: FRMD7 (FERM domain containing 7; minus strand). Cytogenetic location: Xq26.2.
Variant type: single nucleotide variant.
Coding change: c.862C>A on transcript NM_194277.3 (MANE Select); coding-DNA position 862, C replaced by A.
Protein change: p.Pro288Thr; replaces proline 288 with threonine.
Molecular consequence: missense variant.
Genome position (GRCh38, 1-based): chrX:132,082,406, G>T on the plus strand (C>A on the coding strand, the complement: FRMD7 is on the minus strand). VCF-style: chrX-132082406-G-T. GRCh37 (hg19) VCF-style: chrX-131216434-G-T.
Other names: c.817C>A, p.Pro273Thr (NM_001306193.2); short protein forms P273T, P288T.
Identifiers: ClinVar variation 1006959 (VCV001006959.11), dbSNP rs1463149597, ClinGen allele CA414680398.
Genomic context (GRCh38, chrX:132,082,406, plus strand): 5'-GTGCATTGTTTAATTACCTATAGCGGAAACTGGAACCCTTGCTGCAGAGTAGGGTTTTGG[G>T]CTTTGATTTGGGCTCTTCCGAAAGCCTGAAGAAAGCATGGTATTCCACACAAGTCTTCCA-3'
Protein context (NP_919253.1, residues 278-298): FRLSEEPKSK[Pro288Thr]KTLLCSKGSS

ClinVar aggregate classification (germline): Uncertain significance. Review status: criteria provided, multiple submitters, no conflicts (2 of 4 stars). 2 submissions from 2 submitters: Uncertain significance (2). Last evaluated 2025-08-31.

Allele frequency attached by ClinVar (database versions not stated): gnomAD exomes 0.00001; TOPMed 0.00002.

Submissions (2):

Labcorp Genetics (formerly Invitae), Labcorp
Classification: Uncertain significance. Last evaluated: 2025-08-31. Review status: criteria provided, single submitter. Criteria: Invitae Variant Classification Sherloc (09022015). Collection method: clinical testing. Allele origin: germline.
Comment: This sequence change replaces proline, which is neutral and non-polar, with threonine, which is neutral and polar, at codon 288 of the FRMD7 protein (p.Pro288Thr). This variant is present in population databases (no rsID available, gnomAD 0.02%). This variant has not been reported in the literature in individuals affected with FRMD7-related conditions. ClinVar contains an entry for this variant (Variation ID: 1006959). An algorithm developed to predict the effect of missense changes on protein structure and function (PolyPhen-2) suggests that this variant is likely to be disruptive. In summary, the available evidence is currently insufficient to determine the role of this variant in disease. Therefore, it has been classified as a Variant of Uncertain Significance.

Blueprint Genetics
Classification: Uncertain significance. Last evaluated: 2018-09-10. Review status: criteria provided, single submitter. Criteria: ACMG Guidelines, 2015. Collection method: clinical testing. Allele origin: germline.